The following is an entry in ClinVar:

ClinVar aggregate classification (germline): Benign/Likely benign. Review status: criteria provided, multiple submitters, no conflicts (2 of 4 stars). 6 submissions from 6 submitters: Benign (3); Likely benign (2). 1 of the submissions does not count toward it. Last evaluated 2026-01-21.

Conditions:
CDKN1B-related disorder. Also called: CDKN1B-related condition.
Multiple endocrine neoplasia type 4. Also called: MULTIPLE ENDOCRINE NEOPLASIA, TYPE IV. Identifiers: Orphanet 276152, MedGen C1970712, MONDO:0012552, OMIM 610755.
Hereditary cancer-predisposing syndrome. Also called: Neoplastic Syndromes, Hereditary; Tumor predisposition; Hereditary Cancer Syndrome; Hereditary neoplastic syndrome. Identifiers: Orphanet 140162, MedGen C0027672, MeSH D009386, MONDO:0015356.

Allele frequency attached by ClinVar (database versions not stated): TOPMed 0.00001; gnomAD exomes 0.00017; ExAC 0.00021.
gnomAD v4.1: 114 of 1,612,974 alleles (0.0071%); highest among the groups gnomAD compares: South Asian, 0.12%; no homozygotes.

Submissions (6):

Labcorp Genetics (formerly Invitae), Labcorp
Classification: Likely benign for Multiple endocrine neoplasia type 4. Last evaluated: 2026-01-21. Review status: criteria provided, single submitter. Criteria: Invitae Variant Classification Sherloc (09022015). Collection method: clinical testing. Allele origin: germline.

Ambry Genetics
Classification: Benign for Hereditary cancer-predisposing syndrome. Last evaluated: 2023-07-22. Review status: criteria provided, single submitter. Criteria: Ambry Variant Classification Scheme 2023. Collection method: clinical testing. Allele origin: germline.

Quest Diagnostics Nichols Institute San Juan Capistrano
Classification: Benign. Last evaluated: 2022-11-16. Review status: criteria provided, single submitter. Criteria: Quest Diagnostics criteria. Collection method: clinical testing. Allele origin: unknown.

Sema4
Classification: Likely benign for Hereditary cancer-predisposing syndrome. Last evaluated: 2021-11-05. Review status: criteria provided, single submitter. Criteria: Sema4 Curation Guidelines. Collection method: curation. Allele origin: germline.

Illumina Laboratory Services, Illumina
Classification: Benign for Multiple endocrine neoplasia type 4. Last evaluated: 2018-01-12. Review status: criteria provided, single submitter. Criteria: ICSL Variant Classification Criteria 13 December 2019. Collection method: clinical testing. Allele origin: germline.
Comment: This variant was observed in the ICSL laboratory as part of a predisposition screen in an ostensibly healthy population. It had not been previously curated by ICSL or reported in the Human Gene Mutation Database (HGMD: prior to June 1st, 2018), and was therefore a candidate for classification through an automated scoring system. Utilizing variant allele frequency, disease prevalence and penetrance estimates, and inheritance mode, an automated score was calculated to assess if this variant is too frequent to cause the disease. Based on the score and internal cut-off values, a variant classified as benign is not then subjected to further curation. The score for this variant resulted in a classification of benign for this disease.

PreventionGenetics, part of Exact Sciences
Classification: Likely benign for CDKN1B-related condition. Last evaluated: 2023-05-17. Review status: no assertion criteria provided. Collection method: clinical testing. Allele origin: germline. Not counted in ClinVar's aggregate classification.
Comment: This variant is classified as likely benign based on ACMG/AMP sequence variant interpretation guidelines (Richards et al. 2015 PMID: 25741868, with internal and published modifications).

NM_004064.5(CDKN1B):c.373T>A (p.Ser125Thr)

Gene: CDKN1B (cyclin dependent kinase inhibitor 1B; plus strand). Cytogenetic location: 12p13.1.
Variant type: single nucleotide variant.
Coding change: c.373T>A on transcript NM_004064.5 (MANE Select); coding-DNA position 373, T replaced by A.
Protein change: p.Ser125Thr; replaces serine 125 with threonine.
Molecular consequence: missense variant.
Genome position (GRCh38, 1-based): chr12:12,718,212, T>A. VCF-style: chr12-12718212-T-A. GRCh37 (hg19) VCF-style: chr12-12871146-T-A.
Other names: short protein forms S125T.
Identifiers: ClinVar variation 307665 (VCV000307665.24), dbSNP rs765681672, ClinGen allele CA6457480.